The following is an entry in ClinVar:

NM_004369.4(COL6A3):c.6715C>G (p.Pro2239Ala)

Gene: COL6A3 (collagen type VI alpha 3 chain; minus strand). Cytogenetic location: 2q37.3.
Variant type: single nucleotide variant.
Coding change: c.6715C>G on transcript NM_004369.4 (MANE Select); coding-DNA position 6715, C replaced by G.
Protein change: p.Pro2239Ala; replaces proline 2239 with alanine.
Molecular consequence: missense variant.
Genome position (GRCh38, 1-based): chr2:237,352,560, G>C on the plus strand (C>G on the coding strand, the complement: COL6A3 is on the minus strand). VCF-style: chr2-237352560-G-C. GRCh37 (hg19) VCF-style: chr2-238261203-G-C.
Other names: c.4894C>G, p.Pro1632Ala (NM_057166.5); c.6097C>G, p.Pro2033Ala (NM_057167.4); short protein forms P2239A, P1632A, P2033A.
Identifiers: ClinVar variation 644310 (VCV000644310.9), dbSNP rs1574963550, ClinGen allele CA351211846.

ClinVar aggregate classification (germline): Uncertain significance (1 of 4 stars; one submission).

Conditions:
Bethlem myopathy 1A. Also called: Bethlem Muscular Dystrophy; Bethlem myopathy 1; MYOPATHY, BENIGN CONGENITAL, WITH CONTRACTURES. Identifiers: Orphanet 610, MedGen CN029274, MONDO:0024530, OMIM 158810.

Submission:

Labcorp Genetics (formerly Invitae), Labcorp
Classification: Uncertain significance for Bethlem myopathy 1A. Last evaluated: 2018-09-06. Review status: criteria provided, single submitter. Criteria: Invitae Variant Classification Sherloc (09022015). Collection method: clinical testing. Allele origin: germline.
Comment: In summary, the available evidence is currently insufficient to determine the role of this variant in disease. Therefore, it has been classified as a Variant of Uncertain Significance. Algorithms developed to predict the effect of missense changes on protein structure and function are either unavailable or do not agree on the potential impact of this missense change (SIFT: "Deleterious"; PolyPhen-2: "Benign"; Align-GVGD: "Class C25"). This variant has not been reported in the literature in individuals with COL6A3-related disease. This variant is not present in population databases (ExAC no frequency). This sequence change replaces proline with alanine at codon 2239 of the COL6A3 protein (p.Pro2239Ala). The proline residue is highly conserved and there is a small physicochemical difference between proline and alanine.